The following is an entry in ClinVar:

NM_001165963.4(SCN1A):c.257A>G (p.Asn86Ser)

Gene: SCN1A (sodium voltage-gated channel alpha subunit 1; minus strand). Cytogenetic location: 2q24.3.
Variant type: single nucleotide variant.
Coding change: c.257A>G on transcript NM_001165963.4 (MANE Select); coding-DNA position 257, A replaced by G.
Protein change: p.Asn86Ser; replaces asparagine 86 with serine.
Molecular consequence: missense variant. On other transcripts: 5 prime UTR variant (1), non-coding transcript variant (1).
Genome position (GRCh38, 1-based): chr2:166,073,365, T>C on the plus strand (A>G on the coding strand, the complement: SCN1A is on the minus strand). VCF-style: chr2-166073365-T-C. GRCh37 (hg19) VCF-style: chr2-166929875-T-C.
Other names: c.257A>G, p.Asn86Ser (NM_001353958.2, NM_001353960.2, NM_006920.6 and 10 more transcripts); c.-2169A>G (NM_001353961.2); short protein forms N86S.
Identifiers: ClinVar variation 958033 (VCV000958033.12), dbSNP rs1004366186, ClinGen allele CA60270523.

ClinVar aggregate classification (germline): Uncertain significance. Review status: criteria provided, multiple submitters, no conflicts (2 of 4 stars). 2 submissions from 2 submitters: Uncertain significance (2). Last evaluated 2022-06-03.

Conditions:
Early-infantile DEE. Also called: Early infantile epileptic encephalopathy; Ohtahara syndrome; Early infantile epileptic encephalopathy with suppression bursts. Identifiers: Orphanet 1934, MedGen C0393706, MONDO:0800491.
Inborn genetic diseases. Identifiers: MedGen C0950123, MeSH D030342.

Allele frequency attached by ClinVar (database versions not stated): TOPMed below 0.00001; gnomAD exomes 0.00001.
gnomAD v4.1: 15 of 1,613,824 alleles (0.00093%); highest among the groups gnomAD compares: South Asian, 0.0022%; no homozygotes.

Submissions (2):

Labcorp Genetics (formerly Invitae), Labcorp
Classification: Uncertain significance for Early-infantile DEE. Last evaluated: 2022-06-03. Review status: criteria provided, single submitter. Criteria: Invitae Variant Classification Sherloc (09022015). Collection method: clinical testing. Allele origin: germline.
Comment: This sequence change replaces asparagine, which is neutral and polar, with serine, which is neutral and polar, at codon 86 of the SCN1A protein (p.Asn86Ser). This variant is present in population databases (no rsID available, gnomAD 0.003%). This variant has not been reported in the literature in individuals affected with SCN1A-related conditions. ClinVar contains an entry for this variant (Variation ID: 958033). Advanced modeling of protein sequence and biophysical properties (such as structural, functional, and spatial information, amino acid conservation, physicochemical variation, residue mobility, and thermodynamic stability) performed at Invitae indicates that this missense variant is not expected to disrupt SCN1A protein function. Algorithms developed to predict the effect of sequence changes on RNA splicing suggest that this variant may create or strengthen a splice site. In summary, the available evidence is currently insufficient to determine the role of this variant in disease. Therefore, it has been classified as a Variant of Uncertain Significance.

Ambry Genetics
Classification: Uncertain significance for Inborn genetic diseases. Last evaluated: 2018-04-24. Review status: criteria provided, single submitter. Criteria: Ambry Variant Classification Scheme 2023. Collection method: clinical testing. Allele origin: germline.
Comment: The p.N86S variant (also known as c.257A>G), located in coding exon 1 of the SCN1A gene, results from an A to G substitution at nucleotide position 257. The asparagine at codon 86 is replaced by serine, an amino acid with highly similar properties. This amino acid position is well conserved in available vertebrate species. In addition, the in silico prediction for this alteration is inconclusive. Since supporting evidence is limited at this time, the clinical significance of this alteration remains unclear.